The following is an entry in ClinVar:

NM_000231.3(SGCG):c.46G>C (p.Glu16Gln)

Gene: SGCG (sarcoglycan gamma; plus strand). Cytogenetic location: 13q12.12.
Variant type: single nucleotide variant.
Coding change: c.46G>C on transcript NM_000231.3 (MANE Select); coding-DNA position 46, G replaced by C.
Protein change: p.Glu16Gln; replaces glutamic acid 16 with glutamine.
Molecular consequence: missense variant.
Genome position (GRCh38, 1-based): chr13:23,203,740, G>C. VCF-style: chr13-23203740-G-C. GRCh37 (hg19) VCF-style: chr13-23777879-G-C.
Other names: c.100G>C, p.Glu34Gln (NM_001378244.1); c.46G>C, p.Glu16Gln (NM_001378245.1, NM_001378246.1); short protein forms E34Q, E16Q.
Identifiers: ClinVar variation 2077176 (VCV002077176.2), dbSNP rs546543109, ClinGen allele CA6909555.

ClinVar aggregate classification (germline): Uncertain significance. Review status: criteria provided, multiple submitters, no conflicts (2 of 4 stars). 2 submissions from 2 submitters: Uncertain significance (2). Last evaluated 2025-06-18.

Conditions:
Inborn genetic diseases. Identifiers: MedGen C0950123, MeSH D030342.
Autosomal recessive limb-girdle muscular dystrophy type 2C (LGMDR5). Also called: MUSCULAR DYSTROPHY, LIMB-GIRDLE, AUTOSOMAL RECESSIVE 5; MUSCULAR DYSTROPHY, DUCHENNE-LIKE. Identifiers: Orphanet 353, MedGen C0410173, MONDO:0009677, OMIM 253700. Disease mechanism: Affects gamma-sarcoglycan and also disrupts the integrity of the entire sarcoglycan complex..

Allele frequency attached by ClinVar (database versions not stated): TOPMed 0.00002; gnomAD 0.00003; 1000 Genomes Project 0.00020; 1000 Genomes Project 30x 0.00031.
gnomAD v4.1: 56 of 1,613,988 alleles (0.0035%); highest among the groups gnomAD compares: Non-Finnish European, 0.0046%; no homozygotes.

Submissions (2):

Ambry Genetics
Classification: Uncertain significance for Inborn genetic diseases. Last evaluated: 2025-06-18. Review status: criteria provided, single submitter. Criteria: Ambry Variant Classification Scheme 2023. Collection method: clinical testing. Allele origin: germline.

Labcorp Genetics (formerly Invitae), Labcorp
Classification: Uncertain significance for Autosomal recessive limb-girdle muscular dystrophy type 2C. Last evaluated: 2022-03-08. Review status: criteria provided, single submitter. Criteria: Invitae Variant Classification Sherloc (09022015). Collection method: clinical testing. Allele origin: germline.
Comment: This sequence change replaces glutamic acid, which is acidic and polar, with glutamine, which is neutral and polar, at codon 16 of the SGCG protein (p.Glu16Gln). This variant is present in population databases (rs546543109, gnomAD 0.005%). This variant has not been reported in the literature in individuals affected with SGCG-related conditions. Algorithms developed to predict the effect of missense changes on protein structure and function output the following: SIFT: "Tolerated"; PolyPhen-2: "Benign"; Align-GVGD: "Class C0". The glutamine amino acid residue is found in multiple mammalian species, which suggests that this missense change does not adversely affect protein function. In summary, the available evidence is currently insufficient to determine the role of this variant in disease. Therefore, it has been classified as a Variant of Uncertain Significance.